The following is an entry in ClinVar:

NM_001620.3(AHNAK):c.17097G>A (p.Glu5699=)

Gene: AHNAK (AHNAK nucleoprotein; minus strand). Cytogenetic location: 11q12.3.
Variant type: single nucleotide variant.
Coding change: c.17097G>A on transcript NM_001620.3 (MANE Select); coding-DNA position 17097, G replaced by A.
Protein change: p.Glu5699=; no amino-acid change (glutamic acid 5699 retained).
Molecular consequence: synonymous variant. On other transcripts: intron variant (1).
Genome position (GRCh38, 1-based): chr11:62,517,320, C>T on the plus strand (G>A on the coding strand, the complement: AHNAK is on the minus strand). VCF-style: chr11-62517320-C-T. GRCh37 (hg19) VCF-style: chr11-62284792-C-T.
Other names: c.17097G>A, p.Glu5699= (NM_001346445.2, NM_001346446.2); c.342+17683G>A (NM_024060.4).
Identifiers: ClinVar variation 718175 (VCV000718175.27), dbSNP rs111551528, ClinGen allele CA6043728.

ClinVar aggregate classification (germline): Benign/Likely benign. Review status: criteria provided, multiple submitters, no conflicts (2 of 4 stars). 2 submissions from 2 submitters: Benign (1); Likely benign (1). Last evaluated 2025-04-01.

Allele frequency attached by ClinVar (database versions not stated): 1000 Genomes Project 0.00200; 1000 Genomes Project 30x 0.00234; TOPMed 0.00324; gnomAD 0.00344 and 0.00362; ESP Exome Variant Server 0.00354; gnomAD exomes 0.00401 and 0.00559; ExAC 0.00416.
gnomAD v4.1: 8,591 of 1,614,182 alleles (0.53%); highest among the groups gnomAD compares: Non-Finnish European, 0.65%; 33 homozygotes.

Submissions (2):

CeGaT Center for Human Genetics Tuebingen
Classification: Likely benign. Last evaluated: 2025-04-01. Review status: criteria provided, single submitter. Criteria: CeGaT Center For Human Genetics Tuebingen Variant Classification Criteria Version 2. Collection method: clinical testing. Allele origin: germline. Affected: yes. Observed: 6 variant alleles.
Comment: AHNAK: BP4, BP7, BS2

Labcorp Genetics (formerly Invitae), Labcorp
Classification: Benign. Last evaluated: 2018-07-11. Review status: criteria provided, single submitter. Criteria: Invitae Variant Classification Sherloc (09022015). Collection method: clinical testing. Allele origin: germline.